The following is an entry in ClinVar:

NM_001105206.3(LAMA4):c.355G>A (p.Gly119Arg)

Gene: LAMA4 (laminin subunit alpha 4; minus strand). Cytogenetic location: 6q21.
Variant type: single nucleotide variant.
Coding change: c.355G>A on transcript NM_001105206.3 (MANE Select); coding-DNA position 355, G replaced by A.
Protein change: p.Gly119Arg; replaces glycine 119 with arginine.
Molecular consequence: missense variant.
Genome position (GRCh38, 1-based): chr6:112,207,088, C>T on the plus strand (G>A on the coding strand, the complement: LAMA4 is on the minus strand). VCF-style: chr6-112207088-C-T. GRCh37 (hg19) VCF-style: chr6-112528289-C-T.
Other names: c.355G>A (NM_002290.3); c.355G>A, p.Gly119Arg (NM_001105207.3, NM_002290.5); short protein forms G119R.
Identifiers: ClinVar variation 406143 (VCV000406143.15), dbSNP rs147016335, ClinGen allele CA3966187.
Genomic context (GRCh38, chr6:112,207,088, plus strand): 5'-AGTGGGGCAGGGGACAGGGGCACGGCTGGCAGAATTGGGGTGCTCCCCTGATGGAATCTC[C>T]GATATAACCATCCAGACACTTTTCACAGTGCTCTCCTGTTGTGTTCCGCTGGCAGTGCTA-3'
Protein context (NP_001098676.2, residues 109-129): HCEKCLDGYI[Gly119Arg]DSIRGAPQFC

ClinVar aggregate classification (germline): Uncertain significance. Review status: criteria provided, multiple submitters, no conflicts (2 of 4 stars). 3 submissions from 3 submitters: Uncertain significance (3). Last evaluated 2026-01-13.

Conditions:
Cardiovascular phenotype. Identifiers: MedGen CN230736.
Dilated cardiomyopathy 1JJ (CMD1JJ). Identifiers: Orphanet 154, MedGen C3808935, MONDO:0014095, OMIM 615235.

Allele frequency attached by ClinVar (database versions not stated): gnomAD exomes 0.00001 and 0.00002; ExAC 0.00004; 1000 Genomes Project 0.00040; gnomAD 0.00002 and 0.00001; 1000 Genomes Project 30x 0.00031.
gnomAD v4.1: 27 of 1,613,924 alleles (0.0017%); highest among the groups gnomAD compares: African/African-American, 0.0027%; no homozygotes.

Submissions (3):

Labcorp Genetics (formerly Invitae), Labcorp
Classification: Uncertain significance for Dilated cardiomyopathy 1JJ. Last evaluated: 2026-01-13. Review status: criteria provided, single submitter. Criteria: Invitae Variant Classification Sherloc (09022015). Collection method: clinical testing. Allele origin: germline.
Comment: This sequence change replaces glycine, which is neutral and non-polar, with arginine, which is basic and polar, at codon 119 of the LAMA4 protein (p.Gly119Arg). This variant is present in population databases (rs147016335, gnomAD 0.008%). This variant has not been reported in the literature in individuals affected with LAMA4-related conditions. ClinVar contains an entry for this variant (Variation ID: 406143). Invitae Evidence Modeling of protein sequence and biophysical properties (such as structural, functional, and spatial information, amino acid conservation, physicochemical variation, residue mobility, and thermodynamic stability) indicates that this missense variant is expected to disrupt LAMA4 protein function with a positive predictive value of 80%. In summary, the available evidence is currently insufficient to determine the role of this variant in disease. Therefore, it has been classified as a Variant of Uncertain Significance.

Ambry Genetics
Classification: Uncertain significance for Cardiovascular phenotype. Last evaluated: 2023-09-26. Review status: criteria provided, single submitter. Criteria: Ambry Variant Classification Scheme 2023. Collection method: clinical testing. Allele origin: germline.
Comment: The p.G119R variant (also known as c.355G>A), located in coding exon 3 of the LAMA4 gene, results from a G to A substitution at nucleotide position 355. The glycine at codon 119 is replaced by arginine, an amino acid with dissimilar properties. This amino acid position is well conserved in available vertebrate species. In addition, this alteration is predicted to be tolerated by in silico analysis. The evidence for this gene-disease relationship is limited; therefore, the clinical significance of this alteration is unclear.

Stanford Center for Inherited Cardiovascular Disease, Stanford University
Classification: Uncertain significance. Last evaluated: 2016-06-06. Review status: criteria provided, single submitter. Criteria: ACMG Guidelines, 2015. Collection method: provider interpretation. Allele origin: germline.